The following is an entry in ClinVar:

NM_000548.5(TSC2):c.401A>G (p.Glu134Gly)

Gene: TSC2 (TSC complex subunit 2; plus strand). Cytogenetic location: 16p13.3.
Variant type: single nucleotide variant.
Coding change: c.401A>G on transcript NM_000548.5 (MANE Select); coding-DNA position 401, A replaced by G.
Protein change: p.Glu134Gly; replaces glutamic acid 134 with glycine.
Molecular consequence: missense variant. On other transcripts: intron variant (1).
Genome position (GRCh38, 1-based): chr16:2,054,360, A>G. VCF-style: chr16-2054360-A-G. GRCh37 (hg19) VCF-style: chr16-2104361-A-G.
Other names: c.401A>G, p.Glu134Gly (NM_001077183.3, NM_001114382.3, NM_001363528.2 and 3 more transcripts); c.290A>G, p.Glu97Gly (NM_001318827.2); c.254A>G, p.Glu85Gly (NM_001318829.2); c.434A>G, p.Glu145Gly (NM_001318832.2); c.-1-1836A>G (NM_001318831.2); short protein forms E145G, E97G, E134G, E85G.
Identifiers: ClinVar variation 1471725 (VCV001471725.8), dbSNP rs2151042080, ClinGen allele CA394306990.

ClinVar aggregate classification (germline): Uncertain significance (1 of 4 stars; one submission).

Conditions:
Tuberous sclerosis 2 (TSC2). Identifiers: Orphanet 805, MedGen C1860707, MONDO:0013199, OMIM 613254.

Submission:

Labcorp Genetics (formerly Invitae), Labcorp
Classification: Uncertain significance for Tuberous sclerosis 2. Last evaluated: 2023-08-14. Review status: criteria provided, single submitter. Criteria: Invitae Variant Classification Sherloc (09022015). Collection method: clinical testing. Allele origin: germline.
Comment: In summary, the available evidence is currently insufficient to determine the role of this variant in disease. Therefore, it has been classified as a Variant of Uncertain Significance. Advanced modeling of protein sequence and biophysical properties (such as structural, functional, and spatial information, amino acid conservation, physicochemical variation, residue mobility, and thermodynamic stability) performed at Invitae indicates that this missense variant is not expected to disrupt TSC2 protein function. ClinVar contains an entry for this variant (Variation ID: 1471725). This variant has not been reported in the literature in individuals affected with TSC2-related conditions. This variant is not present in population databases (gnomAD no frequency). This sequence change replaces glutamic acid, which is acidic and polar, with glycine, which is neutral and non-polar, at codon 134 of the TSC2 protein (p.Glu134Gly).